The following is an entry in ClinVar:

NM_001347721.2(DYRK1A):c.672T>C (p.His224=)

Gene: DYRK1A (dual specificity tyrosine phosphorylation regulated kinase 1A; plus strand). Cytogenetic location: 21q22.13.
Variant type: single nucleotide variant.
Coding change: c.672T>C on transcript NM_001347721.2 (MANE Select); coding-DNA position 672, T replaced by C.
Protein change: p.His224=; no amino-acid change (histidine 224 retained).
Molecular consequence: synonymous variant.
Genome position (GRCh38, 1-based): chr21:37,490,209, T>C. VCF-style: chr21-37490209-T-C. GRCh37 (hg19) VCF-style: chr21-38862511-T-C.
Other names: c.672T>C, p.His224= (NM_001347722.2, NM_130436.2); c.585T>C, p.His195= (NM_001347723.2); c.699T>C, p.His233= (NM_001396.5, NM_101395.2, NM_130438.2).
Identifiers: ClinVar variation 681077 (VCV000681077.9), dbSNP rs113868802, ClinGen allele CA320483397.

ClinVar aggregate classification (germline): Likely benign. Review status: criteria provided, multiple submitters, no conflicts (2 of 4 stars). 2 submissions from 2 submitters: Likely benign (2). Last evaluated 2022-08-16.

Conditions:
DYRK1A-related intellectual disability syndrome (MRD7). Also called: Intellectual developmental disorder, autosomal dominant 7; DYRK1A Syndrome. Identifiers: Orphanet 464306, MedGen C5568143, MONDO:0013578, OMIM 614104.

Allele frequency attached by ClinVar (database versions not stated): gnomAD exomes below 0.00001; gnomAD 0.00001; TOPMed 0.00001.
gnomAD v4.1: 5 of 1,613,444 alleles (0.00031%); highest among the groups gnomAD compares: Non-Finnish European, 0.00042%; no homozygotes.

Submissions (2):

Labcorp Genetics (formerly Invitae), Labcorp
Classification: Likely benign for DYRK1A-related intellectual disability syndrome. Last evaluated: 2022-08-16. Review status: criteria provided, single submitter. Criteria: Invitae Variant Classification Sherloc (09022015). Collection method: clinical testing. Allele origin: germline.

GeneDx
Classification: Likely benign. Last evaluated: 2018-03-21. Review status: criteria provided, single submitter. Criteria: GeneDx Variant Classification (06012015). Collection method: clinical testing. Allele origin: germline. Affected: yes.
Comment: This variant is considered likely benign or benign based on one or more of the following criteria: it is a conservative change, it occurs at a poorly conserved position in the protein, it is predicted to be benign by multiple in silico algorithms, and/or has population frequency not consistent with disease.